The following is an entry in ClinVar:

NM_130839.5(UBE3A):c.1609-8A>G

Genes: SNHG14 (small nucleolar RNA host gene 14; plus strand), UBE3A (ubiquitin protein ligase E3A; minus strand). Cytogenetic location: 15q11.2.
Variant type: single nucleotide variant.
Coding change: c.1609-8A>G on transcript NM_130839.5 (MANE Select); 8 bases into the intron before coding-DNA position 1609, A replaced by G.
Molecular consequence: intron variant.
Genome position (GRCh38, 1-based): chr15:25,360,535, T>C on the plus strand (A>G on the coding strand, the complement: UBE3A is on the minus strand). VCF-style: chr15-25360535-T-C. GRCh37 (hg19) VCF-style: chr15-25605682-T-C.
Other names: IVS9, A-G, -8; c.1432-8A>G (NM_001354546.2); c.302-12A>G (NM_001354551.2); c.1549-8A>G (NM_001354549.2, NM_001354548.2, NM_130838.4 and 17 more transcripts); c.362-12A>G (NM_001354550.2); c.1609-8A>G (NM_001354545.2, NM_001354538.2, NM_001354505.1); c.1618-8A>G (NM_000462.5).
Identifiers: ClinVar variation 872112 (VCV000872112.46), dbSNP rs2077891986, ClinGen allele CA658760344.

ClinVar aggregate classification (germline): Uncertain significance. Review status: reviewed by expert panel (3 of 4 stars). 4 submissions from 4 submitters: Uncertain significance (1). 3 of the submissions do not count toward it. Last evaluated 2024-06-25.

Conditions:
Inborn genetic diseases. Identifiers: MedGen C0950123, MeSH D030342.
Angelman syndrome (AS). Also called: HAPPY PUPPET SYNDROME. Identifiers: Orphanet 72, MedGen C0162635, MONDO:0007113, OMIM 105830. Disease mechanism: loss of function. Inheritance: imprinting disorder, AS is caused by disruption of maternally imprinted UBE3A located within the 15q11.2-q13 Angelman syndrome/Prader-Willi syndrome (AS/PWS) region..

Submissions (4):

ClinGen Rett and Angelman-like Disorders Variant Curation Expert Panel
Classification: Uncertain significance for Angelman syndrome. Last evaluated: 2024-06-25. Review status: reviewed by expert panel. Criteria: ClinGen RettAS ACMG Specifications UBE3A V4.0.0. Collection method: curation. Allele origin: germline. Inheritance: Autosomal dominant inheritance.
Comment: The c.1549-8A>G variant in UBE3A (NM_130838.2) is absent from gnomAD v4.1 (PM2_Supporting). The c.1549-8A>G variant has been observed in at least 2 individuals with Angelman syndrome (PMID 8988171, Internal database – Ambry) (PS4_Supporting). The variant has been reported to segregate in two informative meioses (PMID 8988171) (PP1). Splice prediction analysis using multiple computational tools suggests an impact to splicing (PP3). In summary, the c.1549-8A>G variant in UBE3A is classified as a variant of unknown significance based on the ACMG/AMP criteria (PS4_Supporting, PM2_Supporting, PP1, PP3).

Ambry Genetics
Classification: Uncertain significance for Inborn genetic diseases. Last evaluated: 2018-09-20. Review status: criteria provided, single submitter. Criteria: Ambry Variant Classification Scheme 2023. Collection method: clinical testing. Allele origin: germline. Not counted in ClinVar's aggregate classification.
Comment: The c.1549-8A>G intronic variant results from an A to G substitution 8 nucleotides upstream from coding exon 4 in the UBE3A gene. This nucleotide position is poorly conserved in available vertebrate species. Using the BDGP and ESEfinder splice site prediction tools, this alteration is predicted to create a new alternate splice acceptor site; however, direct evidence is unavailable. Since supporting evidence is limited at this time, the clinical significance of this alteration remains unclear.

CeGaT Center for Human Genetics Tuebingen
Classification: Pathogenic. Last evaluated: 2018-05-01. Review status: criteria provided, single submitter. Criteria: CeGaT Center For Human Genetics Tuebingen Variant Classification Criteria Version 2. Collection method: clinical testing. Allele origin: germline. Affected: yes. Observed: 1 variant allele. Not counted in ClinVar's aggregate classification.

OMIM
Classification: Pathogenic for ANGELMAN SYNDROME. Last evaluated: 1997-01-01. Review status: no assertion criteria provided. Collection method: literature only. Allele origin: germline. Not counted in ClinVar's aggregate classification.

Literature cited by the submitters: PubMed 8988171 (cited by Ambry Genetics and OMIM).